The following is an entry in ClinVar:

ClinVar aggregate classification (germline): Likely benign. Review status: criteria provided, single submitter (1 of 4 stars). 2 submissions from 2 submitters: Likely benign (1). 1 of the submissions does not count toward it. Last evaluated 2025-06-24.

Conditions:
DBH-related disorder. Also called: DBH-related condition.
Orthostatic hypotension 1 (ORTHYP1). Also called: Orthostatic hypotension 1, due to DBH deficiency; Dopamine beta-hydroxylase deficiency; NORADRENALINE DEFICIENCY; NOREPINEPHRINE DEFICIENCY. Identifiers: Orphanet 230, MedGen C4746777, MONDO:0009123, OMIM 223360.

Allele frequency attached by ClinVar (database versions not stated): gnomAD exomes 0.00007 and 0.00020; ExAC 0.00023; 1000 Genomes Project 30x 0.00031; 1000 Genomes Project 0.00040; gnomAD 0.00067 and 0.00072; TOPMed 0.00080; ESP Exome Variant Server 0.00085.

Submissions (2):

Labcorp Genetics (formerly Invitae), Labcorp
Classification: Likely benign for Orthostatic hypotension 1. Last evaluated: 2025-06-24. Review status: criteria provided, single submitter. Criteria: Invitae Variant Classification Sherloc (09022015). Collection method: clinical testing. Allele origin: germline.

PreventionGenetics, part of Exact Sciences
Classification: Likely benign for DBH-related condition. Last evaluated: 2023-11-14. Review status: no assertion criteria provided. Collection method: clinical testing. Allele origin: germline. Not counted in ClinVar's aggregate classification.
Comment: This variant is classified as likely benign based on ACMG/AMP sequence variant interpretation guidelines (Richards et al. 2015 PMID: 25741868, with internal and published modifications).

NM_000787.4(DBH):c.1541A>G (p.Lys514Arg)

Genes: DBH (dopamine beta-hydroxylase; plus strand), DBH-AS1 (DBH antisense RNA 1; minus strand). Cytogenetic location: 9q34.2.
Variant type: single nucleotide variant.
Coding change: c.1541A>G on transcript NM_000787.4 (MANE Select); coding-DNA position 1541, A replaced by G.
Protein change: p.Lys514Arg; replaces lysine 514 with arginine.
Molecular consequence: missense variant.
Genome position (GRCh38, 1-based): chr9:133,656,629, A>G. VCF-style: chr9-133656629-A-G. GRCh37 (hg19) VCF-style: chr9-136521751-A-G.
Other names: c.1541A>G (NM_000787.3); short protein forms K514R.
Identifiers: ClinVar variation 1115147 (VCV001115147.11), dbSNP rs141021210, ClinGen allele CA5313572.